The following is an entry in ClinVar:

ClinVar aggregate classification (germline): Uncertain significance (1 of 4 stars; one submission).

Conditions:
Tuberous sclerosis 2 (TSC2). Identifiers: Orphanet 805, MedGen C1860707, MONDO:0013199, OMIM 613254.

Submission:

Labcorp Genetics (formerly Invitae), Labcorp
Classification: Uncertain significance for Tuberous sclerosis 2. Last evaluated: 2025-11-23. Review status: criteria provided, single submitter. Criteria: Invitae Variant Classification Sherloc (09022015). Collection method: clinical testing. Allele origin: germline.
Comment: This sequence change replaces aspartic acid, which is acidic and polar, with valine, which is neutral and non-polar, at codon 499 of the TSC2 protein (p.Asp499Val). This variant is not present in population databases (gnomAD no frequency). This variant has not been reported in the literature in individuals affected with TSC2-related conditions. Invitae Evidence Modeling of protein sequence and biophysical properties (such as structural, functional, and spatial information, amino acid conservation, physicochemical variation, residue mobility, and thermodynamic stability) indicates that this missense variant is not expected to disrupt TSC2 protein function with a negative predictive value of 95%. In summary, the available evidence is currently insufficient to determine the role of this variant in disease. Therefore, it has been classified as a Variant of Uncertain Significance.

NM_000548.5(TSC2):c.1496A>T (p.Asp499Val)

Gene: TSC2 (TSC complex subunit 2; plus strand). Cytogenetic location: 16p13.3.
Variant type: single nucleotide variant.
Coding change: c.1496A>T on transcript NM_000548.5 (MANE Select); coding-DNA position 1496, A replaced by T.
Protein change: p.Asp499Val; replaces aspartic acid 499 with valine.
Molecular consequence: missense variant. On other transcripts: 5 prime UTR variant (1), non-coding transcript variant (5).
Genome position (GRCh38, 1-based): chr16:2,064,324, A>T. VCF-style: chr16-2064324-A-T. GRCh37 (hg19) VCF-style: chr16-2114325-A-T.
Other names: c.1484A>T, p.Asp495Val (NM_001406671.1, NM_001406673.1); c.1349A>T, p.Asp450Val (NM_001406675.1, NM_001406676.1, NM_001406679.1 and 1 more transcripts); c.1439A>T, p.Asp480Val (NM_001406677.1); c.1385A>T, p.Asp462Val (NM_001406678.1, NM_001318827.2, NM_001406670.1); c.896A>T, p.Asp299Val (NM_001406680.1, NM_001406682.1, NM_001318831.2 and 6 more transcripts); c.1034A>T, p.Asp345Val (NM_001406681.1); c.1496A>T, p.Asp499Val (NM_001077183.3, NM_001114382.3, NM_001363528.2 and 6 more transcripts); c.1529A>T, p.Asp510Val (NM_001318832.2); and 3 more; short protein forms D299V, D345V, D450V, D495V, D51V, D462V, D510V, D480V.
Identifiers: ClinVar variation 4770498 (VCV004770498.1).